The following is an entry in ClinVar:

NM_001365999.1(SZT2):c.5129G>A (p.Arg1710Gln)

Gene: SZT2 (SZT2 subunit of KICSTOR complex; plus strand). Cytogenetic location: 1p34.2.
Variant type: single nucleotide variant.
Coding change: c.5129G>A on transcript NM_001365999.1 (MANE Select); coding-DNA position 5129, G replaced by A.
Protein change: p.Arg1710Gln; replaces arginine 1710 with glutamine.
Molecular consequence: missense variant.
Genome position (GRCh38, 1-based): chr1:43,431,756, G>A. VCF-style: chr1-43431756-G-A. GRCh37 (hg19) VCF-style: chr1-43897427-G-A.
Other names: c.4958G>A (NM_015284.3); c.4958G>A, p.Arg1653Gln (NM_015284.4); short protein forms R1653Q, R1710Q.
Identifiers: ClinVar variation 1009151 (VCV001009151.8), dbSNP rs142116265, ClinGen allele CA809494.

ClinVar aggregate classification (germline): Uncertain significance. Review status: criteria provided, multiple submitters, no conflicts (2 of 4 stars). 2 submissions from 2 submitters: Uncertain significance (2). Last evaluated 2026-05-10.

Conditions:
Inborn genetic diseases. Identifiers: MedGen C0950123, MeSH D030342.

Allele frequency attached by ClinVar (database versions not stated): gnomAD exomes 0.00001; 1000 Genomes Project 30x 0.00016; 1000 Genomes Project 0.00020; ExAC 0.00001; gnomAD 0.00001.
gnomAD v4.1: 16 of 1,614,216 alleles (0.00099%); highest among the groups gnomAD compares: Non-Finnish European, 0.0014%; no homozygotes.

Submissions (2):

Ambry Genetics
Classification: Uncertain significance for Inborn genetic diseases. Last evaluated: 2026-05-10. Review status: criteria provided, single submitter. Criteria: Ambry Variant Classification Scheme 2023. Collection method: clinical testing. Allele origin: germline.

Labcorp Genetics (formerly Invitae), Labcorp
Classification: Uncertain significance. Last evaluated: 2023-05-08. Review status: criteria provided, single submitter. Criteria: Invitae Variant Classification Sherloc (09022015). Collection method: clinical testing. Allele origin: germline.
Comment: In summary, the available evidence is currently insufficient to determine the role of this variant in disease. Therefore, it has been classified as a Variant of Uncertain Significance. Advanced modeling of protein sequence and biophysical properties (such as structural, functional, and spatial information, amino acid conservation, physicochemical variation, residue mobility, and thermodynamic stability) performed at Invitae indicates that this missense variant is expected to disrupt SZT2 protein function. ClinVar contains an entry for this variant (Variation ID: 1009151). This variant has not been reported in the literature in individuals affected with SZT2-related conditions. This variant is present in population databases (rs142116265, gnomAD 0.002%). This sequence change replaces arginine, which is basic and polar, with glutamine, which is neutral and polar, at codon 1653 of the SZT2 protein (p.Arg1653Gln).